The following is an entry in ClinVar:

NM_052989.3(IFT122):c.1239G>A (p.Glu413=)

Gene: IFT122 (intraflagellar transport 122; plus strand). Cytogenetic location: 3q21.3.
Variant type: single nucleotide variant.
Coding change: c.1239G>A on transcript NM_052989.3 (MANE Select); coding-DNA position 1239, G replaced by A.
Protein change: p.Glu413=; no amino-acid change (glutamic acid 413 retained).
Molecular consequence: synonymous variant.
Genome position (GRCh38, 1-based): chr3:129,478,107, G>A. VCF-style: chr3-129478107-G-A. GRCh37 (hg19) VCF-style: chr3-129196950-G-A.
Other names: c.1215G>A, p.Glu405= (NM_001280541.2); c.789G>A, p.Glu263= (NM_001280545.2); c.612G>A, p.Glu204= (NM_001280546.2); c.1062G>A, p.Glu354= (NM_018262.4); c.1392G>A, p.Glu464= (NM_052985.4); c.906G>A, p.Glu302= (NM_052990.3).
Identifiers: ClinVar variation 343239 (VCV000343239.17), dbSNP rs111717774, ClinGen allele CA2606111.

ClinVar aggregate classification (germline): Benign/Likely benign. Review status: criteria provided, multiple submitters, no conflicts (2 of 4 stars). 5 submissions from 5 submitters: Benign (2); Likely benign (3). Last evaluated 2026-01-25.

Conditions:
Cranioectodermal dysplasia 1 (CED1). Also called: LEVIN SYNDROME I. Identifiers: Orphanet 1515, MedGen C0432235, MONDO:0021093, OMIM 218330.

Allele frequency attached by ClinVar (database versions not stated): gnomAD exomes 0.00043 and 0.00123; ExAC 0.00148; gnomAD 0.00451 and 0.00480; TOPMed 0.00488; ESP Exome Variant Server 0.00507; 1000 Genomes Project 0.00639; 1000 Genomes Project 30x 0.00687.
gnomAD v4.1: 1,345 of 1,614,078 alleles (0.083%); highest among the groups gnomAD compares: African/African-American, 1.6%; 11 homozygotes.

Submissions (5):

Labcorp Genetics (formerly Invitae), Labcorp
Classification: Benign for Cranioectodermal dysplasia 1. Last evaluated: 2026-01-25. Review status: criteria provided, single submitter. Criteria: Invitae Variant Classification Sherloc (09022015). Collection method: clinical testing. Allele origin: germline.

Blueprint Genetics
Classification: Likely benign. Last evaluated: 2024-10-02. Review status: criteria provided, single submitter. Criteria: ACMG Guidelines, 2015. Collection method: clinical testing. Allele origin: germline.

GeneDx
Classification: Likely benign. Last evaluated: 2021-04-18. Review status: criteria provided, single submitter. Criteria: GeneDx Variant Classification Process June 2021. Collection method: clinical testing. Allele origin: germline. Affected: yes.

Illumina Laboratory Services, Illumina
Classification: Benign for Cranioectodermal dysplasia 1. Last evaluated: 2018-01-12. Review status: criteria provided, single submitter. Criteria: ICSL Variant Classification Criteria 13 December 2019. Collection method: clinical testing. Allele origin: germline.
Comment: This variant was observed in the ICSL laboratory as part of a predisposition screen in an ostensibly healthy population. It had not been previously curated by ICSL or reported in the Human Gene Mutation Database (HGMD: prior to June 1st, 2018), and was therefore a candidate for classification through an automated scoring system. Utilizing variant allele frequency, disease prevalence and penetrance estimates, and inheritance mode, an automated score was calculated to assess if this variant is too frequent to cause the disease. Based on the score and internal cut-off values, a variant classified as benign is not then subjected to further curation. The score for this variant resulted in a classification of benign for this disease.

Breakthrough Genomics
Classification: Likely benign. Review status: criteria provided, single submitter. Criteria: ACMG Guidelines, 2015. Collection method: not provided. Allele origin: germline. Inheritance: Autosomal recessive inheritance. Affected: yes.